The following is an entry in ClinVar:

ClinVar aggregate classification (germline): Uncertain significance. Review status: criteria provided, multiple submitters, no conflicts (2 of 4 stars). 4 submissions from 4 submitters: Uncertain significance (4). Last evaluated 2025-05-31.

Conditions:
Hereditary cancer-predisposing syndrome. Also called: Hereditary Cancer Syndrome; Neoplastic Syndromes, Hereditary; Tumor predisposition; Hereditary neoplastic syndrome. Identifiers: Orphanet 140162, MedGen C0027672, MeSH D009386, MONDO:0015356.
Microcephaly, normal intelligence and immunodeficiency (NBS). Also called: BERLIN BREAKAGE SYNDROME; Ataxia telangiectasia variant V1; IMMUNODEFICIENCY, MICROCEPHALY, AND CHROMOSOMAL INSTABILITY; SEEMANOVA SYNDROME II; Nijmegen breakage syndrome; Microcephaly with normal intelligence immunodeficiency and lymphoreticular malignancies. Identifiers: Orphanet 647, MedGen C0398791, MONDO:0009623, OMIM 251260.

Allele frequency attached by ClinVar (database versions not stated): TOPMed 0.00001.

Submissions (4):

Ambry Genetics
Classification: Uncertain significance for Hereditary cancer-predisposing syndrome. Last evaluated: 2025-05-31. Review status: criteria provided, single submitter. Criteria: Ambry Variant Classification Scheme 2023. Collection method: clinical testing. Allele origin: germline.
Comment: The p.S738F variant (also known as c.2213C>T), located in coding exon 15 of the NBN gene, results from a C to T substitution at nucleotide position 2213. The serine at codon 738 is replaced by phenylalanine, an amino acid with highly dissimilar properties. This amino acid position is highly conserved in available vertebrate species. In addition, the in silico prediction for this alteration is inconclusive. Since supporting evidence is limited at this time, the clinical significance of this alteration remains unclear.

Labcorp Genetics (formerly Invitae), Labcorp
Classification: Uncertain significance for Microcephaly, normal intelligence and immunodeficiency. Last evaluated: 2023-05-24. Review status: criteria provided, single submitter. Criteria: Invitae Variant Classification Sherloc (09022015). Collection method: clinical testing. Allele origin: germline.
Comment: ClinVar contains an entry for this variant (Variation ID: 231330). This variant has not been reported in the literature in individuals affected with NBN-related conditions. This variant is not present in population databases (gnomAD no frequency). This sequence change replaces serine, which is neutral and polar, with phenylalanine, which is neutral and non-polar, at codon 738 of the NBN protein (p.Ser738Phe). In summary, the available evidence is currently insufficient to determine the role of this variant in disease. Therefore, it has been classified as a Variant of Uncertain Significance. An algorithm developed to predict the effect of missense changes on protein structure and function (PolyPhen-2) suggests that this variant is likely to be disruptive.

Genome-Nilou Lab
Classification: Uncertain significance for Microcephaly, normal intelligence and immunodeficiency. Last evaluated: 2021-11-07. Review status: criteria provided, single submitter. Criteria: ACMG Guidelines, 2015. Collection method: clinical testing. Allele origin: germline. Affected: no.

Quest Diagnostics Nichols Institute San Juan Capistrano
Classification: Uncertain significance. Last evaluated: 2018-07-10. Review status: criteria provided, single submitter. Criteria: Quest Diagnostics criteria. Collection method: clinical testing. Allele origin: germline.

NM_002485.5(NBN):c.2213C>T (p.Ser738Phe)

Gene: NBN (nibrin; minus strand). Cytogenetic location: 8q21.3.
Variant type: single nucleotide variant.
Coding change: c.2213C>T on transcript NM_002485.5 (MANE Select); coding-DNA position 2213, C replaced by T.
Protein change: p.Ser738Phe; replaces serine 738 with phenylalanine.
Molecular consequence: missense variant.
Genome position (GRCh38, 1-based): chr8:89,937,047, G>A on the plus strand (C>T on the coding strand, the complement: NBN is on the minus strand). VCF-style: chr8-89937047-G-A. GRCh37 (hg19) VCF-style: chr8-90949275-G-A.
Other names: c.1967C>T, p.Ser656Phe (NM_001024688.3); short protein forms S738F, S656F.
Identifiers: ClinVar variation 231330 (VCV000231330.17), dbSNP rs876659097, ClinGen allele CA10578741.